The following is an entry in ClinVar:

ClinVar aggregate classification (germline): Conflicting classifications of pathogenicity. Review status: criteria provided, conflicting classifications (1 of 4 stars). 4 submissions from 4 submitters: Uncertain significance (2); Likely benign (2). Last evaluated 2023-05-05.

Conditions:
Breast-ovarian cancer, familial, susceptibility to, 2 (BROVCA2). Also called: BRCA2 Hereditary Breast and Ovarian Cancer. Identifiers: Orphanet 145, MedGen C2675520, MONDO:0012933, OMIM 612555. Disease mechanism: loss of function.
Hereditary breast ovarian cancer syndrome. Also called: Hereditary breast and ovarian cancer; Hereditary breast and/or ovarian cancer syndrome; BRCA1- and BRCA2-Associated Hereditary Breast and Ovarian Cancer; Hereditary breast and ovarian cancer syndrome (HBOC); Breast and ovarian cancer; Hereditary breast and ovarian cancer syndrome. Identifiers: Orphanet 145, MedGen C0677776, MeSH D061325, MONDO:0003582. Disease mechanism: loss of function.
Hereditary cancer-predisposing syndrome. Also called: Hereditary Cancer Syndrome; Hereditary neoplastic syndrome; Tumor predisposition; Neoplastic Syndromes, Hereditary. Identifiers: Orphanet 140162, MedGen C0027672, MeSH D009386, MONDO:0015356.

Submissions (4):

Myriad Genetics, Inc.
Classification: Likely benign for Breast-ovarian cancer, familial, susceptibility to, 2. Last evaluated: 2023-05-05. Review status: criteria provided, single submitter. Criteria: Myriad Autosomal Dominant, Autosomal Recessive and X-Linked Classification Criteria (2023). Collection method: clinical testing. Allele origin: unknown.
Comment: This variant is considered likely benign. This variant is strongly associated with less severe personal and family histories of cancer, typical for individuals without pathogenic variants in this gene [PMID: 25085752].

University of Washington Department of Laboratory Medicine, University of Washington
Classification: Likely benign for Hereditary cancer-predisposing syndrome. Last evaluated: 2023-03-23. Review status: criteria provided, single submitter. Criteria: Dines et al. (Genet Med. 2020). Collection method: curation. Allele origin: germline.
Comment: Missense variant in a coldspot region where missense variants are very unlikely to be pathogenic (PMID:31911673).

BRCA2 exon 11 coldspot. Reclassification based on statistical prior probability.

Labcorp Genetics (formerly Invitae), Labcorp
Classification: Uncertain significance for Hereditary breast ovarian cancer syndrome. Last evaluated: 2023-02-27. Review status: criteria provided, single submitter. Criteria: Invitae Variant Classification Sherloc (09022015). Collection method: clinical testing. Allele origin: germline.
Comment: ClinVar contains an entry for this variant (Variation ID: 1356562). This variant has not been reported in the literature in individuals affected with BRCA2-related conditions. This variant is not present in population databases (gnomAD no frequency). This sequence change replaces aspartic acid, which is acidic and polar, with histidine, which is basic and polar, at codon 932 of the BRCA2 protein (p.Asp932His). In summary, the available evidence is currently insufficient to determine the role of this variant in disease. Therefore, it has been classified as a Variant of Uncertain Significance. Advanced modeling of protein sequence and biophysical properties (such as structural, functional, and spatial information, amino acid conservation, physicochemical variation, residue mobility, and thermodynamic stability) performed at Invitae indicates that this missense variant is not expected to disrupt BRCA2 protein function.

Ambry Genetics
Classification: Uncertain significance for Hereditary cancer-predisposing syndrome. Last evaluated: 2021-04-16. Review status: criteria provided, single submitter. Criteria: Ambry Variant Classification Scheme 2023. Collection method: clinical testing. Allele origin: germline.
Comment: The p.D932H variant (also known as c.2794G>C), located in coding exon 10 of the BRCA2 gene, results from a G to C substitution at nucleotide position 2794. The aspartic acid at codon 932 is replaced by histidine, an amino acid with similar properties. This amino acid position is well conserved in available vertebrate species. In addition, the in silico prediction for this alteration is inconclusive. Since supporting evidence is limited at this time, the clinical significance of this alteration remains unclear.

Literature cited by the submitters: PubMed 25085752 (cited by Myriad Genetics, Inc.).

NM_000059.4(BRCA2):c.2794G>C (p.Asp932His)

Gene: BRCA2 (BRCA2 DNA repair associated; plus strand). Cytogenetic location: 13q13.1.
Variant type: single nucleotide variant.
Coding change: c.2794G>C on transcript NM_000059.4 (MANE Select); coding-DNA position 2794, G replaced by C.
Protein change: p.Asp932His; replaces aspartic acid 932 with histidine.
Molecular consequence: missense variant.
Genome position (GRCh38, 1-based): chr13:32,337,149, G>C. VCF-style: chr13-32337149-G-C. GRCh37 (hg19) VCF-style: chr13-32911286-G-C.
Other names: short protein forms D932H.
Identifiers: ClinVar variation 1356562 (VCV001356562.12), dbSNP rs2137489980, ClinGen allele CA387773732.